The following is an entry in ClinVar:

ClinVar aggregate classification (germline): Uncertain significance (1 of 4 stars; one submission).

Submission:

Labcorp Genetics (formerly Invitae), Labcorp
Classification: Uncertain significance. Last evaluated: 2021-06-06. Review status: criteria provided, single submitter. Criteria: Invitae Variant Classification Sherloc (09022015). Collection method: clinical testing. Allele origin: germline.
Comment: This sequence change disrupts the translational stop signal of the RIPPLY2 mRNA. It is expected to extend the length of the RIPPLY2 protein by 3 additional amino acid residues. This variant is not present in population databases (ExAC no frequency). This variant has not been reported in the literature in individuals with RIPPLY2-related conditions. Experimental studies and prediction algorithms are not available or were not evaluated, and the functional significance of this variant is currently unknown. In summary, the available evidence is currently insufficient to determine the role of this variant in disease. Therefore, it has been classified as a Variant of Uncertain Significance.

NM_001009994.3(RIPPLY2):c.387A>T (p.Ter129Tyr)

Genes: RIPPLY2 (ripply transcriptional repressor 2; plus strand), RIPPLY2-CYB5R4 (RIPPLY2-CYB5R4 readthrough; plus strand). Cytogenetic location: 6q14.2.
Variant type: single nucleotide variant.
Coding change: c.387A>T on transcript NM_001009994.3 (MANE Select); coding-DNA position 387, A replaced by T.
Protein change: p.Ter129Tyr.
Molecular consequence: stop lost. On other transcripts: non-coding transcript variant (1).
Genome position (GRCh38, 1-based): chr6:83,857,389, A>T. VCF-style: chr6-83857389-A-T. GRCh37 (hg19) VCF-style: chr6-84567108-A-T.
Identifiers: ClinVar variation 1471159 (VCV001471159.6), dbSNP rs947712748, ClinGen allele CA142674795.